The following is an entry in ClinVar:

ClinVar aggregate classification (germline): Likely benign. Review status: criteria provided, multiple submitters, no conflicts (2 of 4 stars). 2 submissions from 2 submitters: Likely benign (2). Last evaluated 2025-09-14.

Conditions:
DOCK8-related disorder. Also called: DOCK8-related condition.
Combined immunodeficiency due to DOCK8 deficiency (HIES2). Also called: HIES autosomal recessive; DOCK8 Deficiency; HYPER-IgE SYNDROME 2, AUTOSOMAL RECESSIVE, WITH RECURRENT INFECTIONS; Hyper-IgE recurrent infection syndrome, autosomal recessive; HYPER-IgE RECURRENT INFECTION SYNDROME 2, AUTOSOMAL RECESSIVE. Identifiers: Orphanet 217390, MedGen C4722305, MONDO:0009478, OMIM 243700.

Allele frequency attached by ClinVar (database versions not stated): ESP Exome Variant Server 0.00008.
gnomAD v4.1: 4 of 1,614,188 alleles (0.00025%); highest among the groups gnomAD compares: African/African-American, 0.0053%; no homozygotes.

Submissions (2):

PreventionGenetics, part of Exact Sciences
Classification: Likely benign for DOCK8-related condition. Last evaluated: 2025-09-14. Review status: criteria provided, single submitter. Criteria: ACMG Guidelines, 2015. Collection method: clinical testing. Allele origin: germline.
Comment: This variant is classified as likely benign based on ACMG/AMP sequence variant interpretation guidelines (Richards et al. 2015 PMID: 25741868, with internal and published modifications).

Labcorp Genetics (formerly Invitae), Labcorp
Classification: Likely benign for Combined immunodeficiency due to DOCK8 deficiency. Last evaluated: 2024-02-17. Review status: criteria provided, single submitter. Criteria: Invitae Variant Classification Sherloc (09022015). Collection method: clinical testing. Allele origin: germline.

NM_203447.4(DOCK8):c.4467C>A (p.Ile1489=)

Gene: DOCK8 (dedicator of cytokinesis 8; plus strand). Cytogenetic location: 9p24.3.
Variant type: single nucleotide variant.
Coding change: c.4467C>A on transcript NM_203447.4 (MANE Select); coding-DNA position 4467, C replaced by A.
Protein change: p.Ile1489=; no amino-acid change (isoleucine 1489 retained).
Molecular consequence: synonymous variant.
Genome position (GRCh38, 1-based): chr9:428,490, C>A. VCF-style: chr9-428490-C-A. GRCh37 (hg19) VCF-style: chr9-428490-C-A.
Other names: c.4167C>A, p.Ile1389= (NM_001190458.2); c.4263C>A, p.Ile1421= (NM_001193536.2); c.4467C>A (NM_203447.3).
Identifiers: ClinVar variation 1479848 (VCV001479848.9), dbSNP rs375909670, ClinGen allele CA4959083.